The following is an entry in ClinVar:

ClinVar aggregate classification (germline): Conflicting classifications of pathogenicity. Review status: criteria provided, conflicting classifications (1 of 4 stars). 7 submissions from 7 submitters: Uncertain significance (1); Benign (4); Likely benign (1). 1 of the submissions does not count toward it. Last evaluated 2026-09-01.

Conditions:
EHMT1-related disorder. Also called: EHMT1-related condition.
Kleefstra syndrome 1 (KLEFS1). Identifiers: Orphanet 261494, MedGen C0795833, MONDO:0027407, OMIM 610253.

Allele frequency attached by ClinVar (database versions not stated): 1000 Genomes Project 0.00439; 1000 Genomes Project 30x 0.00468; ExAC 0.00662; gnomAD exomes 0.00675 and 0.00995; ESP Exome Variant Server 0.00730; gnomAD 0.00772 and 0.00794; TOPMed 0.00840.
gnomAD v4.1: 15,627 of 1,613,704 alleles (0.97%); highest among the groups gnomAD compares: Non-Finnish European, 1.2%; 114 homozygotes.

Submissions (7):

CeGaT Center for Human Genetics Tuebingen
Classification: Benign. Last evaluated: 2026-09-01. Review status: criteria provided, single submitter. Criteria: CeGaT Center For Human Genetics Tuebingen Variant Classification Criteria Version 2. Collection method: clinical testing. Allele origin: germline. Affected: yes. Observed: 47 variant alleles.
Comment: EHMT1: BS1, BS2

Labcorp Genetics (formerly Invitae), Labcorp
Classification: Benign for Kleefstra syndrome 1. Last evaluated: 2026-02-03. Review status: criteria provided, single submitter. Criteria: Invitae Variant Classification Sherloc (09022015). Collection method: clinical testing. Allele origin: germline.

Blueprint Genetics
Classification: Likely benign. Last evaluated: 2024-11-27. Review status: criteria provided, single submitter. Criteria: ACMG Guidelines, 2015. Collection method: clinical testing. Allele origin: germline.

Mayo Clinic Laboratories, Mayo Clinic
Classification: Benign. Last evaluated: 2022-06-23. Review status: criteria provided, single submitter. Criteria: ACMG Guidelines, 2015. Collection method: clinical testing. Allele origin: germline. Observed: 7 variant alleles.
Comment: BS1, BS2, BP4, BP7

Genetic Services Laboratory, University of Chicago
Classification: Uncertain significance. Last evaluated: 2014-06-05. Review status: criteria provided, single submitter. Criteria: ACMG Guidelines, 2015. Collection method: clinical testing. Allele origin: germline.

Eurofins Ntd Llc (ga)
Classification: Benign. Last evaluated: 2013-10-15. Review status: criteria provided, single submitter. Criteria: EGL Classification Definitions 2015. Collection method: clinical testing. Allele origin: germline. Observed: 3 variant alleles, 3 heterozygotes.

PreventionGenetics, part of Exact Sciences
Classification: Benign for EHMT1-related condition. Last evaluated: 2019-05-03. Review status: no assertion criteria provided. Collection method: clinical testing. Allele origin: germline. Not counted in ClinVar's aggregate classification.
Comment: This variant is classified as benign based on ACMG/AMP sequence variant interpretation guidelines (Richards et al. 2015 PMID: 25741868, with internal and published modifications).

NM_024757.5(EHMT1):c.1369+9C>T

Gene: EHMT1 (euchromatic histone lysine methyltransferase 1; plus strand). Cytogenetic location: 9q34.3.
Variant type: single nucleotide variant.
Coding change: c.1369+9C>T on transcript NM_024757.5 (MANE Select); 9 bases into the intron after coding-DNA position 1369, C replaced by T.
Molecular consequence: intron variant.
Genome position (GRCh38, 1-based): chr9:137,754,300, C>T. VCF-style: chr9-137754300-C-T. GRCh37 (hg19) VCF-style: chr9-140648752-C-T.
Other names: p.?; c.1348+9C>T (NM_001354263.2); c.1276+9C>T (NM_001354259.2, NM_001354612.2); c.1369+9C>T (NM_001145527.2, NM_001354611.2).
Identifiers: ClinVar variation 96141 (VCV000096141.56), dbSNP rs146125583, ClinGen allele CA149288.